The following is an entry in ClinVar:

NM_139125.4(MASP1):c.417T>C (p.Asp139=)

Gene: MASP1 (MBL associated serine protease 1; minus strand). Cytogenetic location: 3q27.3.
Variant type: single nucleotide variant.
Coding change: c.417T>C on transcript NM_139125.4 (MANE Select); coding-DNA position 417, T replaced by C.
Protein change: p.Asp139=; no amino-acid change (aspartic acid 139 retained).
Molecular consequence: synonymous variant. On other transcripts: non-coding transcript variant (1).
Genome position (GRCh38, 1-based): chr3:187,260,871, A>G on the plus strand (T>C on the coding strand, the complement: MASP1 is on the minus strand). VCF-style: chr3-187260871-A-G. GRCh37 (hg19) VCF-style: chr3-186978659-A-G.
Other names: c.417T>C, p.Asp139= (NM_001031849.3, NM_001879.6).
Identifiers: ClinVar variation 531898 (VCV000531898.16), dbSNP rs72549252, ClinGen allele CA2749632.

ClinVar aggregate classification (germline): Benign/Likely benign. Review status: criteria provided, multiple submitters, no conflicts (2 of 4 stars). 4 submissions from 4 submitters: Benign (1); Likely benign (2). 1 of the submissions does not count toward it. Last evaluated 2025-12-15.

Conditions:
MASP1-related disorder. Also called: MASP1-related condition.
3MC syndrome 1. Also called: OCULOPALATOSKELETAL SYNDROME; CRANIOSYNOSTOSIS WITH LID ANOMALIES; MICHELS SYNDROME. Identifiers: Orphanet 293843, MedGen C0796059, MONDO:0009770, OMIM 257920.

Allele frequency attached by ClinVar (database versions not stated): gnomAD exomes 0.00078 and 0.00212; ExAC 0.00258; 1000 Genomes Project 30x 0.00640; 1000 Genomes Project 0.00659; gnomAD 0.00840 and 0.00909; ESP Exome Variant Server 0.00992; TOPMed 0.01003.
gnomAD v4.1: 2,488 of 1,614,110 alleles (0.15%); highest among the groups gnomAD compares: African/African-American, 3%; 41 homozygotes.

Submissions (4):

Labcorp Genetics (formerly Invitae), Labcorp
Classification: Benign for 3MC syndrome 1. Last evaluated: 2025-12-15. Review status: criteria provided, single submitter. Criteria: Invitae Variant Classification Sherloc (09022015). Collection method: clinical testing. Allele origin: germline.

GeneDx
Classification: Likely benign. Last evaluated: 2021-03-31. Review status: criteria provided, single submitter. Criteria: GeneDx Variant Classification Process June 2021. Collection method: clinical testing. Allele origin: germline. Affected: yes.

Breakthrough Genomics
Classification: Likely benign. Review status: criteria provided, single submitter. Criteria: ACMG Guidelines, 2015. Collection method: not provided. Allele origin: germline. Inheritance: Autosomal recessive inheritance. Affected: yes.

PreventionGenetics, part of Exact Sciences
Classification: Benign for MASP1-related condition. Last evaluated: 2019-02-21. Review status: no assertion criteria provided. Collection method: clinical testing. Allele origin: germline. Not counted in ClinVar's aggregate classification.
Comment: This variant is classified as benign based on ACMG/AMP sequence variant interpretation guidelines (Richards et al. 2015 PMID: 25741868, with internal and published modifications).